The following is an entry in ClinVar:

ClinVar aggregate classification (germline): Conflicting classifications of pathogenicity. Review status: criteria provided, conflicting classifications (1 of 4 stars). 4 submissions from 4 submitters: Uncertain significance (2); Likely benign (2). Last evaluated 2026-01-31.

Conditions:
Thyrotoxic periodic paralysis, susceptibility to, 1 (TTPP1). Identifiers: Orphanet 79102, MedGen C2749982, MONDO:0008570, OMIM 188580.
Hypokalemic periodic paralysis, type 1. Also called: HypoPP; Hypokalemic Periodic Paralysis Type 1 (AD). Identifiers: Orphanet 681, MedGen C3714580, MONDO:0042979, OMIM 170400.
Malignant hyperthermia, susceptibility to, 5 (MHS5). Also called: CACNA1S-Related Malignant Hyperthermia Susceptibility. Identifiers: Orphanet 423, MedGen C1866077, MONDO:0011163, OMIM 601887.

Allele frequency attached by ClinVar (database versions not stated): TOPMed below 0.00001; gnomAD exomes 0.00001; ExAC 0.00002.

Submissions (4):

Labcorp Genetics (formerly Invitae), Labcorp
Classification: Likely benign for Hypokalemic periodic paralysis, type 1; Malignant hyperthermia, susceptibility to, 5. Last evaluated: 2026-01-31. Review status: criteria provided, single submitter. Criteria: Invitae Variant Classification Sherloc (09022015). Collection method: clinical testing. Allele origin: germline.

Color Diagnostics, LLC DBA Color Health
Classification: Likely benign for Malignant hyperthermia, susceptibility to, 5. Last evaluated: 2025-05-31. Review status: criteria provided, single submitter. Criteria: ACMG Guidelines, 2015. Collection method: clinical testing. Allele origin: germline.

All of Us Research Program, National Institutes of Health
Classification: Uncertain significance for Malignant hyperthermia, susceptibility to, 5. Last evaluated: 2023-04-03. Review status: criteria provided, single submitter. Criteria: ACMG Guidelines, 2015. Collection method: clinical testing. Allele origin: germline. Inheritance: Autosomal dominant inheritance. Observed: 1 variant allele, 1 heterozygote.
Comment: This variant is located in the CACNA1S protein. To our knowledge, functional studies have not been reported for this variant. This variant has not been reported in individuals affected with CACNA1S-related disorders in the literature. This variant has been identified in 3/251208 chromosomes in the general population by the Genome Aggregation Database (gnomAD). The available evidence is insufficient to determine the role of this variant in disease conclusively. Therefore, this variant is classified as a Variant of Uncertain Significance.

This study involves interpretation of variants in research participants for the purpose of population health screening. Participant phenotype was not available at the time of variant classification. Additional details can be found in publication PMID: 35346344, PMCID: PMC8962531

Fulgent Genetics
Classification: Uncertain significance for Hypokalemic periodic paralysis, type 1; Thyrotoxic periodic paralysis, susceptibility to, 1; Malignant hyperthermia, susceptibility to, 5. Last evaluated: 2021-12-03. Review status: criteria provided, single submitter. Criteria: ACMG Guidelines, 2015. Collection method: clinical testing. Allele origin: unknown.

NM_000069.3(CACNA1S):c.531G>A (p.Ser177=)

Gene: CACNA1S (calcium voltage-gated channel subunit alpha1 S; minus strand). Cytogenetic location: 1q32.1.
Variant type: single nucleotide variant.
Coding change: c.531G>A on transcript NM_000069.3 (MANE Select); coding-DNA position 531, G replaced by A.
Protein change: p.Ser177=; no amino-acid change (serine 177 retained).
Molecular consequence: synonymous variant.
Genome position (GRCh38, 1-based): chr1:201,091,982, C>T on the plus strand (G>A on the coding strand, the complement: CACNA1S is on the minus strand). VCF-style: chr1-201091982-C-T. GRCh37 (hg19) VCF-style: chr1-201061110-C-T.
Identifiers: ClinVar variation 935939 (VCV000935939.13), dbSNP rs750087191, ClinGen allele CA083806.